The following is an entry in ClinVar:

ClinVar aggregate classification (germline): Uncertain significance (1 of 4 stars; one submission).

Conditions:
Cobalamin C disease. Also called: Methylmalonic aciduria and homocystinuria, Vitamin B12-responsive; Vitamin B12 metabolic defect with combined deficiency of methylmalonyl-CoA mutase and homocysteine:methyltetrahydrofolate methyltransferase; methylmalonic aciduria and homocystinuria type cblC; Cobalamin-C methylmalonic acidemia and homocystinuria; Methylmalonic acidemia and homocystinuria cblC type; Methylmalonic aciduria with homocystinuria cblC type. Identifiers: Orphanet 26, Orphanet 79282, MedGen C1848561, MONDO:0010184, OMIM 277400.

Allele frequency attached by ClinVar (database versions not stated): gnomAD 0.00002; TOPMed 0.00003; ESP Exome Variant Server 0.00008.

Submission:

Labcorp Genetics (formerly Invitae), Labcorp
Classification: Uncertain significance for Cobalamin C disease. Last evaluated: 2022-06-27. Review status: criteria provided, single submitter. Criteria: Invitae Variant Classification Sherloc (09022015). Collection method: clinical testing. Allele origin: germline.
Comment: This sequence change replaces proline, which is neutral and non-polar, with leucine, which is neutral and non-polar, at codon 18 of the MMACHC protein (p.Pro18Leu). This variant is present in population databases (rs371004372, gnomAD 0.007%). This variant has not been reported in the literature in individuals affected with MMACHC-related conditions. Advanced modeling of protein sequence and biophysical properties (such as structural, functional, and spatial information, amino acid conservation, physicochemical variation, residue mobility, and thermodynamic stability) performed at Invitae indicates that this missense variant is expected to disrupt MMACHC protein function. In summary, the available evidence is currently insufficient to determine the role of this variant in disease. Therefore, it has been classified as a Variant of Uncertain Significance.

NM_015506.3(MMACHC):c.53C>T (p.Pro18Leu)

Gene: MMACHC (metabolism of cobalamin associated C; plus strand). Cytogenetic location: 1p34.1.
Variant type: single nucleotide variant.
Coding change: c.53C>T on transcript NM_015506.3 (MANE Select); coding-DNA position 53, C replaced by T.
Protein change: p.Pro18Leu; replaces proline 18 with leucine.
Molecular consequence: missense variant. On other transcripts: 5 prime UTR variant (1).
Genome position (GRCh38, 1-based): chr1:45,500,385, C>T. VCF-style: chr1-45500385-C-T. GRCh37 (hg19) VCF-style: chr1-45966057-C-T.
Other names: c.-170C>T (NM_001330540.2); short protein forms P18L.
Identifiers: ClinVar variation 1524960 (VCV001524960.5), dbSNP rs371004372, ClinGen allele CA21825952.